The following is an entry in ClinVar:

NM_000026.4(ADSL):c.216C>T (p.Ile72=)

Gene: ADSL (adenylosuccinate lyase; plus strand). Cytogenetic location: 22q13.1.
Variant type: single nucleotide variant.
Coding change: c.216C>T on transcript NM_000026.4 (MANE Select); coding-DNA position 216, C replaced by T.
Protein change: p.Ile72=; no amino-acid change (isoleucine 72 retained).
Molecular consequence: synonymous variant. On other transcripts: non-coding transcript variant (1).
Genome position (GRCh38, 1-based): chr22:40,349,894, C>T. VCF-style: chr22-40349894-C-T. GRCh37 (hg19) VCF-style: chr22-40745898-C-T.
Other names: p.I72I:ATC>ATT; p.Ile72=; c.216C>T, p.Ile72= (NM_001123378.3, NM_001363840.3); c.24C>T, p.Ile8= (NM_001317923.2).
Identifiers: ClinVar variation 136307 (VCV000136307.21), dbSNP rs145786986, ClinGen allele CA302794.
Genomic context (GRCh38, chr22:40,349,894, plus strand): 5'-ATTGGGTTTGCCTATCACAGATGAACAAATCCAGGAGATGAAATCAAACCTGGAGAACAT[C>T]GACTTCAAGATGGCAGCTGAGGAAGAGAAACGTTTACGACATGATGTGATGGCTCACGTG-3'
Protein context (NP_000017.1, residues 62-82): IQEMKSNLEN[Ile72=]DFKMAAEEEK

ClinVar aggregate classification (germline): Benign. Review status: criteria provided, multiple submitters, no conflicts (2 of 4 stars). 7 submissions from 7 submitters: Benign (7). Last evaluated 2026-02-03.

Conditions:
Adenylosuccinate lyase deficiency (ADSLD). Also called: ADSL DEFICIENCY. Identifiers: Orphanet 46, MedGen C0268126, MONDO:0007068, OMIM 103050.

Allele frequency attached by ClinVar (database versions not stated): ESP Exome Variant Server 0.00062; 1000 Genomes Project 30x 0.00094; gnomAD exomes 0.00110; 1000 Genomes Project 0.00120; TOPMed 0.00238.
gnomAD v4.1: 1,833 of 1,614,134 alleles (0.11%); highest among the groups gnomAD compares: Admixed American, 2.8%; 38 homozygotes.

Submissions (7):

Labcorp Genetics (formerly Invitae), Labcorp
Classification: Benign for Adenylosuccinate lyase deficiency. Last evaluated: 2026-02-03. Review status: criteria provided, single submitter. Criteria: Invitae Variant Classification Sherloc (09022015). Collection method: clinical testing. Allele origin: germline.

Mayo Clinic Laboratories, Mayo Clinic
Classification: Benign. Last evaluated: 2018-05-21. Review status: criteria provided, single submitter. Criteria: ACMG Guidelines, 2015. Collection method: clinical testing. Allele origin: germline. Observed: 11 variant alleles.

Illumina Laboratory Services, Illumina
Classification: Benign for Adenylosuccinate lyase deficiency. Last evaluated: 2018-01-12. Review status: criteria provided, single submitter. Criteria: ICSL Variant Classification Criteria 13 December 2019. Collection method: clinical testing. Allele origin: germline.
Comment: This variant was observed in the ICSL laboratory as part of a predisposition screen in an ostensibly healthy population. It had not been previously curated by ICSL or reported in the Human Gene Mutation Database (HGMD: prior to June 1st, 2018), and was therefore a candidate for classification through an automated scoring system. Utilizing variant allele frequency, disease prevalence and penetrance estimates, and inheritance mode, an automated score was calculated to assess if this variant is too frequent to cause the disease. Based on the score and internal cut-off values, a variant classified as benign is not then subjected to further curation. The score for this variant resulted in a classification of benign for this disease.

Athena Diagnostics
Classification: Benign. Last evaluated: 2017-06-29. Review status: criteria provided, single submitter. Criteria: Athena Diagnostics Criteria. Collection method: clinical testing. Allele origin: germline.

Eurofins Ntd Llc (ga)
Classification: Benign. Last evaluated: 2015-03-31. Review status: criteria provided, single submitter. Criteria: EGL Classification Definitions 2015. Collection method: clinical testing. Allele origin: germline. Observed: 5 variant alleles, 4 heterozygotes, 1 homozygote.

GeneDx
Classification: Benign. Last evaluated: 2012-04-17. Review status: criteria provided, single submitter. Criteria: GeneDx Variant Classification (06012015). Collection method: clinical testing. Allele origin: germline. Affected: yes.
Comment: This variant is considered likely benign or benign based on one or more of the following criteria: it is a conservative change, it occurs at a poorly conserved position in the protein, it is predicted to be benign by multiple in silico algorithms, and/or has population frequency not consistent with disease.

Breakthrough Genomics
Classification: Benign. Review status: criteria provided, single submitter. Criteria: ACMG Guidelines, 2015. Collection method: not provided. Allele origin: germline. Inheritance: Autosomal recessive inheritance. Affected: yes.